The following is an entry in ClinVar:

ClinVar aggregate classification (germline): Likely benign. Review status: criteria provided, multiple submitters, no conflicts (2 of 4 stars). 3 submissions from 3 submitters: Likely benign (2). 1 of the submissions does not count toward it. Last evaluated 2026-09-01.

Conditions:
Peroxisome biogenesis disorder, complementation group 7 (CG7). Also called: Peroxisome biogenesis disorder, complementation group B. Identifiers: MedGen C1864399.
PEX10-related disorder. Also called: PEX10-related condition.

Allele frequency attached by ClinVar (database versions not stated): ExAC 0.00001.

Submissions (3):

CeGaT Center for Human Genetics Tuebingen
Classification: Likely benign. Last evaluated: 2026-09-01. Review status: criteria provided, single submitter. Criteria: CeGaT Center For Human Genetics Tuebingen Variant Classification Criteria Version 2. Collection method: clinical testing. Allele origin: germline. Affected: yes. Observed: 1 variant allele.
Comment: PEX10: BP4, BP7

Labcorp Genetics (formerly Invitae), Labcorp
Classification: Likely benign for Peroxisome biogenesis disorder, complementation group 7. Last evaluated: 2025-05-14. Review status: criteria provided, single submitter. Criteria: Invitae Variant Classification Sherloc (09022015). Collection method: clinical testing. Allele origin: germline.

PreventionGenetics, part of Exact Sciences
Classification: Likely benign for PEX10-related condition. Last evaluated: 2024-07-03. Review status: no assertion criteria provided. Collection method: clinical testing. Allele origin: germline. Not counted in ClinVar's aggregate classification.
Comment: This variant is classified as likely benign based on ACMG/AMP sequence variant interpretation guidelines (Richards et al. 2015 PMID: 25741868, with internal and published modifications).

NM_002617.4(PEX10):c.489G>A (p.Ala163=)

Gene: PEX10 (peroxisomal biogenesis factor 10; minus strand). Cytogenetic location: 1p36.32.
Variant type: single nucleotide variant.
Coding change: c.489G>A on transcript NM_002617.4 (MANE Select); coding-DNA position 489, G replaced by A.
Protein change: p.Ala163=; no amino-acid change (alanine 163 retained).
Molecular consequence: synonymous variant. On other transcripts: non-coding transcript variant (1).
Genome position (GRCh38, 1-based): chr1:2,408,563, C>T on the plus strand (G>A on the coding strand, the complement: PEX10 is on the minus strand). VCF-style: chr1-2408563-C-T. GRCh37 (hg19) VCF-style: chr1-2340002-C-T.
Other names: c.489G>A, p.Ala163= (NM_001374425.1, NM_153818.2); c.57G>A, p.Ala19= (NM_001374426.1, NM_001374427.1); c.489G>A (NM_153818.1).
Identifiers: ClinVar variation 1428397 (VCV001428397.8), dbSNP rs767442631, ClinGen allele CA538155.
Genomic context (GRCh38, chr1:2,408,563, plus strand): 5'-GTAAAACCAGGCAACATGTAGCCGCTGGAGGCAGGCGAGGCCCTGTCTGAGGACGAAGAC[C>T]GCCCGCAGCAGCGCCCTCCTCTGCTGCTCAGTCAGGGTGGCCGTGTGGTGACGCATCCAG-3'
Protein context (NP_002608.1, residues 153-173): TEQQRRALLR[Ala163=]VFVLRQGLAC